The following is an entry in ClinVar:

ClinVar aggregate classification (germline): Pathogenic (1 of 4 stars; one submission).

Conditions:
Autoimmune lymphoproliferative syndrome type 2B. Also called: AUTOIMMUNE LYMPHOPROLIFERATIVE SYNDROME, TYPE IIB. Identifiers: Orphanet 275517, MedGen C1846545, MONDO:0011804, OMIM 607271.

Allele frequency attached by ClinVar (database versions not stated): gnomAD 0.00001; gnomAD exomes 0.00001 and 0.00002; TOPMed 0.00001; ExAC 0.00002.
gnomAD v4.1: 13 of 1,614,108 alleles (0.00081%); highest among the groups gnomAD compares: East Asian, 0.0022%; no homozygotes.

Submission:

Labcorp Genetics (formerly Invitae), Labcorp
Classification: Pathogenic for Autoimmune lymphoproliferative syndrome type 2B. Last evaluated: 2025-01-20. Review status: criteria provided, single submitter. Criteria: Invitae Variant Classification Sherloc (09022015). Collection method: clinical testing. Allele origin: germline.
Comment: This sequence change creates a premature translational stop signal (p.Gln406*) in the CASP8 gene. It is expected to result in an absent or disrupted protein product. Loss-of-function variants in CASP8 are known to be pathogenic (PMID: 12353035, 25814141). This variant is present in population databases (rs747862347, gnomAD 0.03%). This variant has not been reported in the literature in individuals affected with CASP8-related conditions. ClinVar contains an entry for this variant (Variation ID: 631840). For these reasons, this variant has been classified as Pathogenic.

Literature cited by the submitters: PubMed 12353035; PubMed 25814141.

NM_001372051.1(CASP8):c.1165C>T (p.Gln389Ter)

Gene: CASP8 (caspase 8; plus strand). Cytogenetic location: 2q33.1.
Variant type: single nucleotide variant.
Coding change: c.1165C>T on transcript NM_001372051.1 (MANE Select); coding-DNA position 1165, C replaced by T.
Protein change: p.Gln389Ter; replaces glutamine 389 with a stop codon.
Molecular consequence: nonsense. On other transcripts: non-coding transcript variant (22), intron variant (1).
Genome position (GRCh38, 1-based): chr2:201,285,178, C>T. VCF-style: chr2-201285178-C-T. GRCh37 (hg19) VCF-style: chr2-202149901-C-T.
Other names: c.1120C>T, p.Gln374Ter (NM_001080124.2, NM_001400658.1, NM_001400659.1 and 5 more transcripts); c.1342C>T, p.Gln448Ter (NM_001080125.2); c.1216C>T, p.Gln406Ter (NM_001228.5); c.1297C>T, p.Gln433Ter (NM_001400642.1); c.1198C>T, p.Gln400Ter (NM_001400645.1); c.1165C>T, p.Gln389Ter (NM_001400648.1, NM_001400651.1, NM_001400653.1 and 5 more transcripts); c.1096C>T, p.Gln366Ter (NM_001400664.1); c.1090C>T, p.Gln364Ter (NM_001400665.1); and 7 more; short protein forms Q389*, Q406*, Q374*, Q448*, Q175*, Q184*, Q190*, Q286*.
Identifiers: ClinVar variation 631840 (VCV000631840.8), dbSNP rs747862347, ClinGen allele CA2053760.